The following is an entry in ClinVar:

ClinVar aggregate classification (germline): Uncertain significance (1 of 4 stars; one submission).

Conditions:
Autosomal recessive limb-girdle muscular dystrophy type 2A (LGMDR1). Also called: Muscular dystrophy, limb-girdle, type 2A, Amish; LEYDEN-MOEBIUS MUSCULAR DYSTROPHY; MUSCULAR DYSTROPHY, PELVOFEMORAL; Limb-girdle muscular dystrophy, type 2A; Calpainopathy. Identifiers: Orphanet 267, MedGen C1869123, MONDO:0009675, OMIM 253600. Disease mechanism: loss of function.

Allele frequency attached by ClinVar (database versions not stated): gnomAD exomes below 0.00001.
gnomAD v4.1: 1 of 1,614,002 alleles (0.000062%); highest among the groups gnomAD compares: Non-Finnish European, 0.000085%; no homozygotes.

Submission:

Labcorp Genetics (formerly Invitae), Labcorp
Classification: Uncertain significance for Autosomal recessive limb-girdle muscular dystrophy type 2A. Last evaluated: 2023-04-12. Review status: criteria provided, single submitter. Criteria: Invitae Variant Classification Sherloc (09022015). Collection method: clinical testing. Allele origin: germline.
Comment: This sequence change replaces proline, which is neutral and non-polar, with leucine, which is neutral and non-polar, at codon 593 of the CAPN3 protein (p.Pro593Leu). This variant is not present in population databases (gnomAD no frequency). In summary, the available evidence is currently insufficient to determine the role of this variant in disease. Therefore, it has been classified as a Variant of Uncertain Significance. Advanced modeling of protein sequence and biophysical properties (such as structural, functional, and spatial information, amino acid conservation, physicochemical variation, residue mobility, and thermodynamic stability) performed at Invitae indicates that this missense variant is expected to disrupt CAPN3 protein function. This variant has not been reported in the literature in individuals affected with CAPN3-related conditions.

NM_000070.3(CAPN3):c.1778C>T (p.Pro593Leu)

Gene: CAPN3 (calpain 3; plus strand). Cytogenetic location: 15q15.1.
Variant type: single nucleotide variant.
Coding change: c.1778C>T on transcript NM_000070.3 (MANE Select); coding-DNA position 1778, C replaced by T.
Protein change: p.Pro593Leu; replaces proline 593 with leucine.
Molecular consequence: missense variant.
Genome position (GRCh38, 1-based): chr15:42,403,773, C>T. VCF-style: chr15-42403773-C-T. GRCh37 (hg19) VCF-style: chr15-42695971-C-T.
Other names: c.1778C>T, p.Pro593Leu (NM_024344.2); c.1634C>T, p.Pro545Leu (NM_173087.2); c.242C>T, p.Pro81Leu (NM_173088.2); c.*894C>T (NM_212464.2); c.*1471C>T (NM_212467.2); short protein forms P593L, P81L, P545L.
Identifiers: ClinVar variation 2809475 (VCV002809475.3), dbSNP rs2548281158, ClinGen allele CA392000593.